The following is an entry in ClinVar:

ClinVar aggregate classification (germline): Uncertain significance (1 of 4 stars; one submission).

Allele frequency attached by ClinVar (database versions not stated): gnomAD exomes below 0.00001; ExAC 0.00002.
gnomAD v4.1: 4 of 1,614,158 alleles (0.00025%); highest among the groups gnomAD compares: Admixed American, 0.0017%; no homozygotes.

Submission:

Labcorp Genetics (formerly Invitae), Labcorp
Classification: Uncertain significance. Last evaluated: 2023-07-06. Review status: criteria provided, single submitter. Criteria: Invitae Variant Classification Sherloc (09022015). Collection method: clinical testing. Allele origin: germline.
Comment: This sequence change replaces leucine, which is neutral and non-polar, with phenylalanine, which is neutral and non-polar, at codon 1305 of the RP1 protein (p.Leu1305Phe). In summary, the available evidence is currently insufficient to determine the role of this variant in disease. Therefore, it has been classified as a Variant of Uncertain Significance. Algorithms developed to predict the effect of missense changes on protein structure and function output the following: SIFT: "Not Available"; PolyPhen-2: "Benign"; Align-GVGD: "Not Available". The phenylalanine amino acid residue is found in multiple mammalian species, which suggests that this missense change does not adversely affect protein function. ClinVar contains an entry for this variant (Variation ID: 1514247). This variant has not been reported in the literature in individuals affected with RP1-related conditions. This variant is present in population databases (rs753000004, gnomAD 0.003%).

NM_006269.2(RP1):c.3913C>T (p.Leu1305Phe)

Gene: RP1 (RP1 axonemal microtubule associated; plus strand). Cytogenetic location: 8q12.1.
Variant type: single nucleotide variant.
Coding change: c.3913C>T on transcript NM_006269.2 (MANE Select); coding-DNA position 3913, C replaced by T.
Protein change: p.Leu1305Phe; replaces leucine 1305 with phenylalanine.
Molecular consequence: missense variant. On other transcripts: intron variant (1).
Genome position (GRCh38, 1-based): chr8:54,627,795, C>T. VCF-style: chr8-54627795-C-T. GRCh37 (hg19) VCF-style: chr8-55540355-C-T.
Other names: c.787+5507C>T (NM_001375654.1); short protein forms L1305F.
Identifiers: ClinVar variation 1514247 (VCV001514247.6), dbSNP rs753000004, ClinGen allele CA4751766.
Genomic context (GRCh38, chr8:54,627,795, plus strand): 5'-GGTTATGGTGTGGATCAGACTTCTATGAATAAGGCTTGTTTCCTAGGAGAGGTCTGTTCA[C>T]TTACTGATACTGTGTTTTCTGATAAGGCTTGTGCTCAAAAGGAGAACCATACCTATGAGG-3'
Protein context (NP_006260.1, residues 1295-1315): KACFLGEVCS[Leu1305Phe]TDTVFSDKAC